The following is an entry in ClinVar:

NM_021815.5(SLC5A7):c.236G>T (p.Gly79Val)

Gene: SLC5A7 (solute carrier family 5 member 7; plus strand). Cytogenetic location: 2q12.3.
Variant type: single nucleotide variant.
Coding change: c.236G>T on transcript NM_021815.5 (MANE Select); coding-DNA position 236, G replaced by T.
Protein change: p.Gly79Val; replaces glycine 79 with valine.
Molecular consequence: missense variant. On other transcripts: 5 prime UTR variant (2).
Genome position (GRCh38, 1-based): chr2:107,992,163, G>T. VCF-style: chr2-107992163-G-T. GRCh37 (hg19) VCF-style: chr2-108608619-G-T.
Other names: c.236G>T, p.Gly79Val (NM_001305005.3); c.-80G>T (NM_001305006.3); c.-469G>T (NM_001305007.3); short protein forms G79V.
Identifiers: ClinVar variation 1328592 (VCV001328592.6), dbSNP rs1177599655, ClinGen allele CA348020526.

ClinVar aggregate classification (germline): Uncertain significance. Review status: criteria provided, multiple submitters, no conflicts (2 of 4 stars). 2 submissions from 2 submitters: Uncertain significance (2). Last evaluated 2022-10-04.

Conditions:
Neuronopathy, distal hereditary motor, type 7A. Also called: HARPER-YOUNG MYOPATHY; HMN VIIA; SPINAL MUSCULAR ATROPHY, DISTAL, WITH VOCAL CORD PARALYSIS; Neuronopathy, distal hereditary motor, autosomal dominant 7; Neuronopathy, distal hereditary motor, type viia; NEURONOPATHY, DISTAL HEREDITARY MOTOR, HARDING TYPE VIIA. Identifiers: Orphanet 139589, MedGen C1834703, MONDO:0008024, OMIM 158580.
Congenital myasthenic syndrome 20. Also called: Myasthenic syndrome, congenital, 20, presynaptic. Identifiers: MedGen C4310694, MONDO:0014939, OMIM 617143.

Allele frequency attached by ClinVar (database versions not stated): TOPMed 0.00003.

Submissions (2):

Labcorp Genetics (formerly Invitae), Labcorp
Classification: Uncertain significance for Neuronopathy, distal hereditary motor, type 7A; Congenital myasthenic syndrome 20. Last evaluated: 2022-10-04. Review status: criteria provided, single submitter. Criteria: Invitae Variant Classification Sherloc (09022015). Collection method: clinical testing. Allele origin: germline.
Comment: Algorithms developed to predict the effect of missense changes on protein structure and function are either unavailable or do not agree on the potential impact of this missense change (SIFT: "Deleterious"; PolyPhen-2: "Benign"; Align-GVGD: "Class C0"). In summary, the available evidence is currently insufficient to determine the role of this variant in disease. Therefore, it has been classified as a Variant of Uncertain Significance. ClinVar contains an entry for this variant (Variation ID: 1328592). This variant has not been reported in the literature in individuals affected with SLC5A7-related conditions. This variant is not present in population databases (gnomAD no frequency). This sequence change replaces glycine, which is neutral and non-polar, with valine, which is neutral and non-polar, at codon 79 of the SLC5A7 protein (p.Gly79Val).

GeneDx
Classification: Uncertain significance. Last evaluated: 2021-06-16. Review status: criteria provided, single submitter. Criteria: GeneDx Variant Classification Process June 2021. Collection method: clinical testing. Allele origin: germline. Affected: yes.
Comment: Not observed at significant frequency in large population cohorts (Lek et al., 2016); In silico analysis supports that this missense variant does not alter protein structure/function; Has not been previously published as pathogenic or benign to our knowledge; This variant is associated with the following publications: (PMID: 27535533)